The following is an entry in ClinVar:

ClinVar aggregate classification (germline): Uncertain significance (1 of 4 stars; one submission).

Conditions:
Inborn genetic diseases. Identifiers: MedGen C0950123, MeSH D030342.

gnomAD v4.1: 4 of 1,611,810 alleles (0.00025%); highest among the groups gnomAD compares: Non-Finnish European, 0.00025%; no homozygotes.

Submission:

Ambry Genetics
Classification: Uncertain significance for Inborn genetic diseases. Last evaluated: 2024-03-11. Review status: criteria provided, single submitter. Criteria: Ambry Variant Classification Scheme 2023. Collection method: clinical testing. Allele origin: germline.
Comment: The p.H991Q variant (also known as c.2973C>G), located in coding exon 21 of the LTBP3 gene, results from a C to G substitution at nucleotide position 2973. The histidine at codon 991 is replaced by glutamine, an amino acid with highly similar properties. This amino acid position is conserved. In addition, the in silico prediction for this alteration is inconclusive. Based on the available evidence, the clinical significance of this alteration remains unclear.

NM_001130144.3(LTBP3):c.2973C>G (p.His991Gln)

Genes: LTBP3 (latent transforming growth factor beta binding protein 3; minus strand), LOC121832793 (Sharpr-MPRA regulatory region 4001; plus strand). Cytogenetic location: 11q13.1.
Variant type: single nucleotide variant.
Coding change: c.2973C>G on transcript NM_001130144.3 (MANE Select); coding-DNA position 2973, C replaced by G.
Protein change: p.His991Gln; replaces histidine 991 with glutamine.
Molecular consequence: missense variant.
Genome position (GRCh38, 1-based): chr11:65,540,875, G>C on the plus strand (C>G on the coding strand, the complement: LTBP3 is on the minus strand). VCF-style: chr11-65540875-G-C. GRCh37 (hg19) VCF-style: chr11-65308346-G-C.
Other names: c.2622C>G, p.His874Gln (NM_001164266.1); c.2973C>G, p.His991Gln (NM_021070.4); short protein forms H874Q, H991Q.
Identifiers: ClinVar variation 3233165 (VCV003233165.1), dbSNP rs1332685544, ClinGen allele CA381267964.
Genomic context (GRCh38, chr11:65,540,875, plus strand): 5'-GCGAGCCCAACCCGGGGTGAGAGGGCGCGGGGCGGGCGGAGCCGCAGGGCGCTTACCACG[G>C]TGGGCTGGGATGCCGTAGTTGACGATGTTGTTGTCCTGGGTGTAGCCCTTTCCGTCTGGG-3'
Protein context (NP_001123616.1, residues 981-1001): NNIVNYGIPA[His991Gln]RDIDECMLFG